The following is an entry in ClinVar:

NM_001351132.2(PEX5):c.659G>A (p.Arg220Gln)

Gene: PEX5 (peroxisomal biogenesis factor 5; plus strand). Cytogenetic location: 12p13.31.
Variant type: single nucleotide variant.
Coding change: c.659G>A on transcript NM_001351132.2 (MANE Select); coding-DNA position 659, G replaced by A.
Protein change: p.Arg220Gln; replaces arginine 220 with glutamine.
Molecular consequence: missense variant. On other transcripts: intron variant (15).
Genome position (GRCh38, 1-based): chr12:7,202,257, G>A. VCF-style: chr12-7202257-G-A. GRCh37 (hg19) VCF-style: chr12-7354853-G-A.
Other names: c.659G>A, p.Arg220Gln (NM_000319.5, NM_001131025.2, NM_001131026.2 and 6 more transcripts); c.704G>A, p.Arg235Gln (NM_001131023.2); c.643-355G>A (NM_001351124.3, NM_001351126.2, NM_001374646.1 and 10 more transcripts); c.688-355G>A (NM_001351135.3, NM_001351138.2); c.659G>A (NM_001131025.1); short protein forms R220Q, R235Q.
Identifiers: ClinVar variation 596349 (VCV000596349.9), dbSNP rs148417349, ClinGen allele CA6426229.

ClinVar aggregate classification (germline): Uncertain significance. Review status: criteria provided, multiple submitters, no conflicts (2 of 4 stars). 3 submissions from 3 submitters: Uncertain significance (3). Last evaluated 2025-09-09.

Conditions:
PEX5-related disorder. Also called: PEX5-Related Disorders; PEX5-related condition.
Peroxisome biogenesis disorder 2B (PBD2B). Identifiers: Orphanet 44, MedGen C3550234, MONDO:0008736, OMIM 202370.

Allele frequency attached by ClinVar (database versions not stated): gnomAD 0.00007 and 0.00008; ExAC 0.00008; TOPMed 0.00008; ESP Exome Variant Server 0.00015; 1000 Genomes Project 30x 0.00016; 1000 Genomes Project 0.00020.

Submissions (3):

PreventionGenetics, part of Exact Sciences
Classification: Uncertain significance for PEX5-related condition. Last evaluated: 2025-09-09. Review status: criteria provided, single submitter. Criteria: ACMG Guidelines, 2015. Collection method: clinical testing. Allele origin: germline.
Comment: The PEX5 c.659G>A variant is predicted to result in the amino acid substitution p.Arg220Gln. To our knowledge, this variant has not been reported in the literature. This variant is reported in 0.031% of alleles in individuals of African descent in gnomAD. At this time, the clinical significance of this variant is uncertain due to the absence of conclusive functional and genetic evidence.

Labcorp Genetics (formerly Invitae), Labcorp
Classification: Uncertain significance for Peroxisome biogenesis disorder 2B. Last evaluated: 2022-07-18. Review status: criteria provided, single submitter. Criteria: Invitae Variant Classification Sherloc (09022015). Collection method: clinical testing. Allele origin: germline.
Comment: This sequence change replaces arginine, which is basic and polar, with glutamine, which is neutral and polar, at codon 220 of the PEX5 protein (p.Arg220Gln). This variant is present in population databases (rs148417349, gnomAD 0.03%). This variant has not been reported in the literature in individuals affected with PEX5-related conditions. ClinVar contains an entry for this variant (Variation ID: 596349). Algorithms developed to predict the effect of missense changes on protein structure and function (SIFT, PolyPhen-2, Align-GVGD) all suggest that this variant is likely to be tolerated. Algorithms developed to predict the effect of sequence changes on RNA splicing suggest that this variant may create or strengthen a splice site. In summary, the available evidence is currently insufficient to determine the role of this variant in disease. Therefore, it has been classified as a Variant of Uncertain Significance.

Eurofins Ntd Llc (ga)
Classification: Uncertain significance. Last evaluated: 2018-03-06. Review status: criteria provided, single submitter. Criteria: EGL ClinVar v180209 classification definitions. Collection method: clinical testing. Allele origin: germline. Observed: 1 variant allele, 1 heterozygote.